The following is an entry in ClinVar:

NM_000049.4(ASPA):c.347_348insAA (p.His116fs)

Genes: ASPA (aspartoacylase; plus strand), SPATA22 (spermatogenesis associated 22; minus strand). Cytogenetic location: 17p13.2.
Variant type: Insertion.
Coding change: c.347_348insAA on transcript NM_000049.4 (MANE Select); coding-DNA positions 347 to 348, AA inserted.
Protein change: p.His116fs; shifts the reading frame from histidine 116.
Molecular consequence: frameshift variant. On other transcripts: intron variant (2).
Genome position: GRCh38 VCF-style: chr17-3481712-C-CAA. GRCh37 (hg19) VCF-style: chr17-3385006-C-CAA.
Other names: c.347_348insAA, p.His116fs (NM_001128085.1); c.-73-12315_-73-12314insTT (NM_001321336.2, NM_001321337.2); short protein forms H116fs.
Identifiers: ClinVar variation 2025519 (VCV002025519.4), dbSNP rs2543619675, ClinGen allele CA2580092488.

ClinVar aggregate classification (germline): Pathogenic/Likely pathogenic. Review status: criteria provided, multiple submitters, no conflicts (2 of 4 stars). 2 submissions from 2 submitters: Pathogenic (1); Likely pathogenic (1). Last evaluated 2025-05-27.

Conditions:
Spongy degeneration of central nervous system. Also called: ACY2 DEFICIENCY; AMINOACYLASE 2 DEFICIENCY; ASP DEFICIENCY; ASPA DEFICIENCY; ASPARTOACYLASE DEFICIENCY; CANAVAN-VAN BOGAERT-BERTRAND DISEASE. Identifiers: Orphanet 141, MedGen C0206307, MONDO:0010079, OMIM 271900.

Submissions (2):

Natera, Inc.
Classification: Likely pathogenic for Canavan Disease. Last evaluated: 2025-05-27. Review status: criteria provided, single submitter. Criteria: Natera Variant Classification Schema (03/2026). Collection method: clinical testing. Allele origin: germline.
Comment: The c.347_348insAA variant in ASPA is a frameshift variant predicted to shift the reading frame beginning at codon 116 and leads to a stop codon 22 codons downstream. This variant is expected to result in nonsense mediated decay, truncation, or a dysfunctional protein product. This variant is rare in the general population with a frequency below the threshold expected for the associated phenotype(s). Given the available evidence, this variant is classified as Likely Pathogenic.

Labcorp Genetics (formerly Invitae), Labcorp
Classification: Pathogenic for Spongy degeneration of central nervous system. Last evaluated: 2023-07-16. Review status: criteria provided, single submitter. Criteria: Invitae Variant Classification Sherloc (09022015). Collection method: clinical testing. Allele origin: germline.
Comment: For these reasons, this variant has been classified as Pathogenic. ClinVar contains an entry for this variant (Variation ID: 2025519). This variant has not been reported in the literature in individuals affected with ASPA-related conditions. This variant is not present in population databases (gnomAD no frequency). This sequence change creates a premature translational stop signal (p.His116Glnfs*22) in the ASPA gene. It is expected to result in an absent or disrupted protein product. Loss-of-function variants in ASPA are known to be pathogenic (PMID: 12638939).

Literature cited by the submitters: PubMed 12638939 (cited by Labcorp Genetics (formerly Invitae), Labcorp).